The following is an entry in ClinVar:

ClinVar aggregate classification (germline): Uncertain significance (1 of 4 stars; one submission).

Allele frequency attached by ClinVar (database versions not stated): gnomAD exomes below 0.00001; TOPMed below 0.00001.
gnomAD v4.1: 5 of 1,263,502 alleles (0.0004%); highest among the groups gnomAD compares: East Asian, 0.0031%; no homozygotes.

Submission:

Labcorp Genetics (formerly Invitae), Labcorp
Classification: Uncertain significance. Last evaluated: 2025-06-16. Review status: criteria provided, single submitter. Criteria: Invitae Variant Classification Sherloc (09022015). Collection method: clinical testing. Allele origin: germline.
Comment: This sequence change replaces proline, which is neutral and non-polar, with leucine, which is neutral and non-polar, at codon 55 of the GATA5 protein (p.Pro55Leu). This variant is not present in population databases (gnomAD no frequency). This variant has not been reported in the literature in individuals affected with GATA5-related conditions. ClinVar contains an entry for this variant (Variation ID: 1374322). Invitae Evidence Modeling of protein sequence and biophysical properties (such as structural, functional, and spatial information, amino acid conservation, physicochemical variation, residue mobility, and thermodynamic stability) indicates that this missense variant is not expected to disrupt GATA5 protein function with a negative predictive value of 80%. In summary, the available evidence is currently insufficient to determine the role of this variant in disease. Therefore, it has been classified as a Variant of Uncertain Significance.

NM_080473.5(GATA5):c.164C>T (p.Pro55Leu)

Gene: GATA5 (GATA binding protein 5; minus strand). Cytogenetic location: 20q13.33.
Variant type: single nucleotide variant.
Coding change: c.164C>T on transcript NM_080473.5 (MANE Select); coding-DNA position 164, C replaced by T.
Protein change: p.Pro55Leu; replaces proline 55 with leucine.
Molecular consequence: missense variant.
Genome position (GRCh38, 1-based): chr20:62,475,358, G>A on the plus strand (C>T on the coding strand, the complement: GATA5 is on the minus strand). VCF-style: chr20-62475358-G-A. GRCh37 (hg19) VCF-style: chr20-61050414-G-A.
Other names: short protein forms P55L.
Identifiers: ClinVar variation 1374322 (VCV001374322.8), dbSNP rs1555897041, ClinGen allele CA409557607.